The following is an entry in ClinVar:

ClinVar aggregate classification (germline): Uncertain significance (1 of 4 stars; one submission).

Conditions:
Congenital lactic acidosis, Saguenay-Lac-Saint-Jean type (MC4DN5). Also called: CYTOCHROME c OXIDASE DEFICIENCY, FRENCH CANADIAN TYPE; COX DEFICIENCY, FRENCH CANADIAN TYPE; MITOCHONDRIAL COMPLEX IV DEFICIENCY, NUCLEAR TYPE 5. Identifiers: Orphanet 70472, MedGen C1857355, MONDO:0009069, OMIM 220111.

gnomAD v4.1: 21 of 1,611,140 alleles (0.0013%); highest among the groups gnomAD compares: Admixed American, 0.0017%; no homozygotes.

Submission:

Myriad Genetics, Inc.
Classification: Uncertain significance for Congenital lactic acidosis, Saguenay-Lac-Saint-Jean type. Last evaluated: 2026-01-13. Review status: criteria provided, single submitter. Criteria: Myriad Autosomal Dominant, Autosomal Recessive and X-Linked Classification Criteria (2023). Collection method: clinical testing. Allele origin: unknown.
Comment: NM_133259.3(LRPPRC):c.1589C>T(S530L) is a missense variant classified as a variant of uncertain significance in the context of Leigh syndrome, French-Canadian type. S530L has not been observed in cases with relevant disease. Relevant functional assessments of this variant are not available in the literature. S530L has not been observed in referenced population frequency databases. In summary, there is insufficient evidence to classify NM_133259.3(LRPPRC):c.1589C>T(S530L) as pathogenic or benign. Please note: this variant was assessed in the context of healthy population screening.

NM_133259.4(LRPPRC):c.1589C>T (p.Ser530Leu)

Genes: LRPPRC (leucine rich pentatricopeptide repeat containing; minus strand), LOC129388857 (MPRA-validated peak3685 silencer; plus strand). Cytogenetic location: 2p21.
Variant type: single nucleotide variant.
Coding change: c.1589C>T on transcript NM_133259.4 (MANE Select); coding-DNA position 1589, C replaced by T.
Protein change: p.Ser530Leu; replaces serine 530 with leucine.
Molecular consequence: missense variant.
Genome position (GRCh38, 1-based): chr2:43,957,445, G>A on the plus strand (C>T on the coding strand, the complement: LRPPRC is on the minus strand). VCF-style: chr2-43957445-G-A. GRCh37 (hg19) VCF-style: chr2-44184584-G-A.
Other names: short protein forms S530L.
Identifiers: ClinVar variation 5003366 (VCV005003366.1).